The following is an entry in ClinVar:

ClinVar aggregate classification (germline): Pathogenic (1 of 4 stars; one submission).

Conditions:
Dyskeratosis congenita. Identifiers: Orphanet 1775, MedGen C0265965, MONDO:0015780.

Submission:

Labcorp Genetics (formerly Invitae), Labcorp
Classification: Pathogenic for Dyskeratosis congenita. Last evaluated: 2024-11-19. Review status: criteria provided, single submitter. Criteria: Invitae Variant Classification Sherloc (09022015). Collection method: clinical testing. Allele origin: germline.
Comment: This sequence change creates a premature translational stop signal (p.Gln294*) in the CTC1 gene. It is expected to result in an absent or disrupted protein product. Loss-of-function variants in CTC1 are known to be pathogenic (PMID: 22267198, 22387016). This variant is not present in population databases (gnomAD no frequency). This variant has not been reported in the literature in individuals affected with CTC1-related conditions. For these reasons, this variant has been classified as Pathogenic.

Literature cited by the submitters: PubMed 22267198; PubMed 22387016.

NM_025099.6(CTC1):c.879_897del (p.Gly293_Gln294insTer)

Gene: CTC1 (CST telomere replication complex component 1; minus strand). Cytogenetic location: 17p13.1.
Variant type: Deletion.
Coding change: c.879_897del on transcript NM_025099.6 (MANE Select); coding-DNA positions 879 to 897, 19 bases deleted (TCAGCGCCAGCATGTTTGG).
Protein change: p.Gly293_Gln294insTer.
Molecular consequence: frameshift variant. On other transcripts: non-coding transcript variant (1).
Genome position (GRCh38, 1-based): chr17:8,236,238-8,236,256, CCAAACATGCTGGCGCTGA deleted on the plus strand (TCAGCGCCAGCATGTTTGG on the coding strand, the reverse complement: CTC1 is on the minus strand); deleting any 19 consecutive bases within chr17:8,236,238-8,236,259 gives the same sequence; the c. name uses the placement nearest the transcript's 3' end. VCF-style (leftmost placement, unchanged base first): chr17-8236237-TCCAAACATGCTGGCGCTGA-T. GRCh37 (hg19) VCF-style: chr17-8139555-TCCAAACATGCTGGCGCTGA-T.
Other names: c.879_897del, p.Gly293_Gln294insTer (NM_001411067.1).
Identifiers: ClinVar variation 3709031 (VCV003709031.2).
Genomic context (GRCh38, chr17:8,236,237, plus strand): 5'-GTTCCAGCTCCTGCACACATTCTGGTTTCAGCAGCAACAGACGGGAGGACTGACTGGTCA[TCCAAACATGCTGGCGCTGA>T]CCACGGATCTTGGACACTCGCAGTTCTGTCAGCACATAGGCTGTACCAGGCCGAAGGGCT-3'